The following is an entry in ClinVar:

ClinVar aggregate classification (germline): Benign/Likely benign. Review status: criteria provided, multiple submitters, no conflicts (2 of 4 stars). 3 submissions from 3 submitters: Benign (1); Likely benign (2). Last evaluated 2026-02-01.

Conditions:
COL12A1-related disorder. Also called: COL12A1-related condition.
Ullrich congenital muscular dystrophy 2 (UCMD2). Identifiers: Orphanet 75840, MedGen C4225314, MONDO:0014654, OMIM 616470.
Bethlem myopathy 2 (BTHLM2). Identifiers: Orphanet 536516, Orphanet 610, MedGen C4225313, MONDO:0034022, OMIM 616471.

Allele frequency attached by ClinVar (database versions not stated): gnomAD exomes 0.00005 and 0.00017; ExAC 0.00022; ESP Exome Variant Server 0.00024; TOPMed 0.00055; 1000 Genomes Project 0.00080; 1000 Genomes Project 30x 0.00094.
gnomAD v4.1: 153 of 1,613,340 alleles (0.0095%); highest among the groups gnomAD compares: African/African-American, 0.19%; 1 homozygote.

Submissions (3):

PreventionGenetics, part of Exact Sciences
Classification: Likely benign for COL12A1-related condition. Last evaluated: 2026-02-01. Review status: criteria provided, single submitter. Criteria: ACMG Guidelines, 2015. Collection method: clinical testing. Allele origin: germline.
Comment: This variant is classified as likely benign based on ACMG/AMP sequence variant interpretation guidelines (Richards et al. 2015 PMID: 25741868, with internal and published modifications).

Labcorp Genetics (formerly Invitae), Labcorp
Classification: Benign for Bethlem myopathy 2; Ullrich congenital muscular dystrophy 2. Last evaluated: 2025-11-02. Review status: criteria provided, single submitter. Criteria: Invitae Variant Classification Sherloc (09022015). Collection method: clinical testing. Allele origin: germline.

Women's Health and Genetics/Laboratory Corporation of America, LabCorp
Classification: Likely benign. Last evaluated: 2025-06-10. Review status: criteria provided, single submitter. Criteria: LabCorp Variant Classification Summary - May 2015. Collection method: clinical testing. Allele origin: germline.

NM_004370.6(COL12A1):c.7354+10T>A

Genes: COL12A1 (collagen type XII alpha 1 chain; minus strand), LOC126859712 (MED14-independent group 3 enhancer GRCh37_chr6:75828643-75829842; plus strand). Cytogenetic location: 6q13.
Variant type: single nucleotide variant.
Coding change: c.7354+10T>A on transcript NM_004370.6 (MANE Select); 10 bases into the intron after coding-DNA position 7354, T replaced by A.
Molecular consequence: intron variant.
Genome position (GRCh38, 1-based): chr6:75,119,033, A>T on the plus strand (T>A on the coding strand, the complement: COL12A1 is on the minus strand). VCF-style: chr6-75119033-A-T. GRCh37 (hg19) VCF-style: chr6-75828749-A-T.
Other names: c.3862+10T>A (NM_080645.3).
Identifiers: ClinVar variation 707172 (VCV000707172.13), dbSNP rs199945254, ClinGen allele CA3892591.